The following is an entry in ClinVar:

NM_001374736.1(DST):c.20704C>T (p.Arg6902Trp)

Gene: DST (dystonin; minus strand). Cytogenetic location: 6p12.1.
Variant type: single nucleotide variant.
Coding change: c.20704C>T on transcript NM_001374736.1 (MANE Select); coding-DNA position 20704, C replaced by T.
Protein change: p.Arg6902Trp; replaces arginine 6902 with tryptophan.
Molecular consequence: missense variant.
Genome position (GRCh38, 1-based): chr6:56,492,280, G>A on the plus strand (C>T on the coding strand, the complement: DST is on the minus strand). VCF-style: chr6-56492280-G-A. GRCh37 (hg19) VCF-style: chr6-56357078-G-A.
Other names: c.14347C>T, p.Arg4783Trp (NM_001144769.5); c.13933C>T, p.Arg4645Trp (NM_001144770.2); c.20704C>T, p.Arg6902Trp (NM_001374722.1); c.19744C>T, p.Arg6582Trp (NM_001374729.1); c.13486C>T, p.Arg4496Trp (NM_001374730.1); c.20731C>T, p.Arg6911Trp (NM_001374734.1); c.13813C>T, p.Arg4605Trp (NM_001386100.1, NM_183380.4); c.12835C>T, p.Arg4279Trp (NM_015548.5); short protein forms R4496W, R6902W, R6911W, R4279W, R4645W, R6582W, R4605W, R4783W.
Identifiers: ClinVar variation 2167727 (VCV002167727.1), dbSNP rs754444028, ClinGen allele CA3866695.
Genomic context (GRCh38, chr6:56,492,280, plus strand): 5'-TTATTACCTGCTTGGCTCTCTTCCTTGCATCATCCAAAGATCTTCCTCTCTCTACCAACC[G>A]TTGAACCACTTTTTCCCATCGACTTTGTACACTGATAAGTAGATTCTTGATTAGAACAAC-3'
Protein context (NP_001361665.1, residues 6892-6912): VQSRWEKVVQ[Arg6902Trp]LVERGRSLDD

ClinVar aggregate classification (germline): Uncertain significance (1 of 4 stars; one submission).

Conditions:
Hereditary sensory and autonomic neuropathy type 6. Also called: Neuropathy, hereditary sensory and autonomic, type VI; HSAN VI. Identifiers: Orphanet 314381, MedGen C3539003, MONDO:0013839, OMIM 614653.
Epidermolysis bullosa simplex 3, localized or generalized intermediate, with BP230 deficiency (EBS3). Also called: Epidermolysis bullosa simplex due to BP230 deficiency; Epidermolysis bullosa simplex, autosomal recessive 2. Identifiers: Orphanet 412181, MedGen C3809470, MONDO:0014180, OMIM 615425.

Allele frequency attached by ClinVar (database versions not stated): TOPMed 0.00001; gnomAD exomes 0.00002; ExAC 0.00004.
gnomAD v4.1: 24 of 1,613,800 alleles (0.0015%); highest among the groups gnomAD compares: East Asian, 0.027%; no homozygotes.

Submission:

Labcorp Genetics (formerly Invitae), Labcorp
Classification: Uncertain significance for Epidermolysis bullosa simplex 3, localized or generalized intermediate, with BP230 deficiency; Hereditary sensory and autonomic neuropathy type 6. Last evaluated: 2022-05-18. Review status: criteria provided, single submitter. Criteria: Invitae Variant Classification Sherloc (09022015). Collection method: clinical testing. Allele origin: germline.
Comment: The DST gene has multiple clinically relevant transcripts. This variant occurs in alternate transcript NM_015548.4, and corresponds to NM_001723.5:c.*123237C>T in the primary transcript. This sequence change replaces arginine, which is basic and polar, with tryptophan, which is neutral and slightly polar, at codon 4279 of the DST protein (p.Arg4279Trp). This variant is present in population databases (rs754444028, gnomAD 0.05%). This variant has not been reported in the literature in individuals affected with DST-related conditions. Experimental studies and prediction algorithms are not available or were not evaluated, and the functional significance of this variant is currently unknown. In summary, the available evidence is currently insufficient to determine the role of this variant in disease. Therefore, it has been classified as a Variant of Uncertain Significance.